The following is an entry in ClinVar:

NM_020778.5(ALPK3):c.3488C>T (p.Ala1163Val)

Gene: ALPK3 (alpha kinase 3; plus strand). Cytogenetic location: 15q25.3.
Variant type: single nucleotide variant.
Coding change: c.3488C>T on transcript NM_020778.5 (MANE Select); coding-DNA position 3488, C replaced by T.
Protein change: p.Ala1163Val; replaces alanine 1163 with valine.
Molecular consequence: missense variant.
Genome position (GRCh38, 1-based): chr15:84,858,226, C>T. VCF-style: chr15-84858226-C-T. GRCh37 (hg19) VCF-style: chr15-85401457-C-T.
Other names: p.Ala1365Val; short protein forms A1163V.
Identifiers: ClinVar variation 1202136 (VCV001202136.20), dbSNP rs755941827, ClinGen allele CA7709648.

ClinVar aggregate classification (germline): Uncertain significance. Review status: criteria provided, multiple submitters, no conflicts (2 of 4 stars). 9 submissions from 9 submitters: Uncertain significance (7). 2 of the submissions do not count toward it. Last evaluated 2026-02-28.

Conditions:
Cardiovascular phenotype. Identifiers: MedGen CN230736.
ALPK3-related disorder. Also called: ALPK3-related condition.

Allele frequency attached by ClinVar (database versions not stated): gnomAD 0.00003; TOPMed 0.00004; gnomAD exomes 0.00005; ExAC 0.00008.
gnomAD v4.1: 112 of 1,610,942 alleles (0.007%); highest among the groups gnomAD compares: Middle Eastern, 0.016%; no homozygotes.

Submissions (9):

PreventionGenetics, part of Exact Sciences
Classification: Uncertain significance for ALPK3-related condition. Last evaluated: 2026-02-28. Review status: criteria provided, single submitter. Criteria: ACMG Guidelines, 2015. Collection method: clinical testing. Allele origin: germline.
Comment: The ALPK3 c.4094C>T variant is predicted to result in the amino acid substitution p.Ala1365Val. This variant has been reported as uncertain in an individual with hypertrophic cardiomyopathy (Koutsofti et al. 2024. PubMed ID: 38540378). This variant is reported in 0.0097% of alleles in individuals of European (Non-Finnish) descent in gnomAD. At this time, the clinical significance of this variant is uncertain due to the absence of conclusive functional and genetic evidence.

Labcorp Genetics (formerly Invitae), Labcorp
Classification: Uncertain significance. Last evaluated: 2025-11-21. Review status: criteria provided, single submitter. Criteria: Invitae Variant Classification Sherloc (09022015). Collection method: clinical testing. Allele origin: germline.
Comment: This sequence change replaces alanine, which is neutral and non-polar, with valine, which is neutral and non-polar, at codon 1365 of the ALPK3 protein (p.Ala1365Val). This variant is present in population databases (rs755941827, gnomAD 0.009%). This missense change has been observed in individual(s) with ALPK3-related conditions (PMID: 38540378). ClinVar contains an entry for this variant (Variation ID: 1202136). Invitae Evidence Modeling of protein sequence and biophysical properties (such as structural, functional, and spatial information, amino acid conservation, physicochemical variation, residue mobility, and thermodynamic stability) indicates that this missense variant is expected to disrupt ALPK3 protein function with a positive predictive value of 80%. In summary, the available evidence is currently insufficient to determine the role of this variant in disease. Therefore, it has been classified as a Variant of Uncertain Significance.

Dasa
Classification: Uncertain significance. Last evaluated: 2025-08-21. Review status: criteria provided, single submitter. Criteria: DASA Assertion Criteria. Collection method: clinical testing. Allele origin: germline.
Comment: NM_020778.5(ALPK3):c.3488C>T (p.Ala1163Val) is a missense variant that results in the substitution of alanine with valine. This variant is rare in population databases. The currently available literature and clinical evidence are not sufficient to establish a definitive association between this variant and the reported condition. Therefore, this variant is classified as a variant of uncertain significance.

Mayo Clinic Laboratories, Mayo Clinic
Classification: Uncertain significance. Last evaluated: 2025-01-24. Review status: criteria provided, single submitter. Criteria: ACMG Guidelines, 2015. Collection method: clinical testing. Allele origin: germline. Observed: 1 variant allele.
Comment: PM2_supporting

Blueprint Genetics
Classification: Uncertain significance. Last evaluated: 2024-10-11. Review status: criteria provided, single submitter. Criteria: ACMG Guidelines, 2015. Collection method: clinical testing. Allele origin: germline.

GeneDx
Classification: Uncertain significance. Last evaluated: 2024-03-18. Review status: criteria provided, single submitter. Criteria: GeneDx Variant Classification Process June 2021. Collection method: clinical testing. Allele origin: germline. Affected: yes.
Comment: Identified in a patient with HCM in published literature (Koutsofi et al., 2024); In silico analysis supports that this missense variant does not alter protein structure/function; Also known as p.(A1365V); This variant is associated with the following publications: (PMID: Koutsofti2024[article])

Ambry Genetics
Classification: Uncertain significance for Cardiovascular phenotype. Last evaluated: 2023-11-15. Review status: criteria provided, single submitter. Criteria: Ambry Variant Classification Scheme 2023. Collection method: clinical testing. Allele origin: germline.
Comment: The p.A1365V variant (also known as c.4094C>T), located in coding exon 6 of the ALPK3 gene, results from a C to T substitution at nucleotide position 4094. The alanine at codon 1365 is replaced by valine, an amino acid with similar properties. This amino acid position is highly conserved in available vertebrate species. In addition, the in silico prediction for this alteration is inconclusive. Since supporting evidence is limited at this time, the clinical significance of this alteration remains unclear.

Clinical Genetics DNA and cytogenetics Diagnostics Lab, Erasmus MC, Erasmus Medical Center
Classification: Uncertain significance. Review status: no assertion criteria provided. Collection method: clinical testing. Allele origin: germline. Affected: yes. Study: VKGL Data-share Consensus. Not counted in ClinVar's aggregate classification.

Clinical Genetics, Academic Medical Center
Classification: Uncertain significance. Review status: no assertion criteria provided. Collection method: clinical testing. Allele origin: germline. Affected: yes. Study: VKGL Data-share Consensus. Not counted in ClinVar's aggregate classification.

Literature cited by the submitters: PubMed 38540378 (cited by Labcorp Genetics (formerly Invitae), Labcorp).